The following is an entry in ClinVar:

ClinVar aggregate classification (germline): Uncertain significance (1 of 4 stars; one submission).

Allele frequency attached by ClinVar (database versions not stated): gnomAD 0.00001; gnomAD exomes 0.00001; TOPMed 0.00002.
gnomAD v4.1: 15 of 1,568,944 alleles (0.00096%); highest among the groups gnomAD compares: Non-Finnish European, 0.0012%; no homozygotes.

Submission:

Labcorp Genetics (formerly Invitae), Labcorp
Classification: Uncertain significance. Last evaluated: 2023-09-04. Review status: criteria provided, single submitter. Criteria: Invitae Variant Classification Sherloc (09022015). Collection method: clinical testing. Allele origin: germline.
Comment: In summary, the available evidence is currently insufficient to determine the role of this variant in disease. Therefore, it has been classified as a Variant of Uncertain Significance. An algorithm developed to predict the effect of missense changes on protein structure and function (PolyPhen-2) suggests that this variant is likely to be tolerated. ClinVar contains an entry for this variant (Variation ID: 1052702). This variant has not been reported in the literature in individuals affected with PTH1R-related conditions. This variant is present in population databases (rs752698121, gnomAD 0.003%). This sequence change replaces alanine, which is neutral and non-polar, with glycine, which is neutral and non-polar, at codon 265 of the PTH1R protein (p.Ala265Gly).

NM_000316.3(PTH1R):c.794C>G (p.Ala265Gly)

Gene: PTH1R (parathyroid hormone 1 receptor; plus strand). Cytogenetic location: 3p21.31.
Variant type: single nucleotide variant.
Coding change: c.794C>G on transcript NM_000316.3 (MANE Select); coding-DNA position 794, C replaced by G.
Protein change: p.Ala265Gly; replaces alanine 265 with glycine.
Molecular consequence: missense variant.
Genome position (GRCh38, 1-based): chr3:46,898,817, C>G. VCF-style: chr3-46898817-C-G. GRCh37 (hg19) VCF-style: chr3-46940307-C-G.
Other names: c.794C>G, p.Ala265Gly (NM_001184744.1); short protein forms A265G.
Identifiers: ClinVar variation 1052702 (VCV001052702.5), dbSNP rs752698121, ClinGen allele CA2359314.
Genomic context (GRCh38, chr3:46,898,817, plus strand): 5'-ACTCTGGCGCCACGCTTGATGAGGCTGAGCGCCTCACCGAGGAGGAGCTGCGCGCCATCG[C>G]CCAGGCGCCCCCGCCGCCTGCCACCGCCGCTGCCGGCTACGTGAGTACCCCTCTGCCCGC-3'
Protein context (NP_000307.1, residues 255-275): RLTEEELRAI[Ala265Gly]QAPPPPATAA